The following is an entry in ClinVar:

ClinVar aggregate classification (germline): Uncertain significance (1 of 4 stars; one submission).

Allele frequency attached by ClinVar (database versions not stated): TOPMed below 0.00001.
gnomAD v4.1: 1 of 1,614,100 alleles (0.000062%); highest among the groups gnomAD compares: Non-Finnish European, 0.000085%; no homozygotes.

Submission:

GeneDx
Classification: Uncertain significance. Last evaluated: 2022-12-05. Review status: criteria provided, single submitter. Criteria: GeneDx Variant Classification Process June 2021. Collection method: clinical testing. Allele origin: germline. Affected: yes.
Comment: Not observed at significant frequency in large population cohorts (gnomAD); In silico analysis supports that this missense variant has a deleterious effect on protein structure/function; Has not been previously published as pathogenic or benign to our knowledge

NM_004341.5(CAD):c.4837T>C (p.Cys1613Arg)

Gene: CAD (carbamoyl-phosphate synthetase 2, aspartate transcarbamylase, and dihydroorotase; plus strand). Cytogenetic location: 2p23.3.
Variant type: single nucleotide variant.
Coding change: c.4837T>C on transcript NM_004341.5 (MANE Select); coding-DNA position 4837, T replaced by C.
Protein change: p.Cys1613Arg; replaces cysteine 1613 with arginine.
Molecular consequence: missense variant.
Genome position (GRCh38, 1-based): chr2:27,238,164, T>C. VCF-style: chr2-27238164-T-C. GRCh37 (hg19) VCF-style: chr2-27461032-T-C.
Other names: c.4648T>C, p.Cys1550Arg (NM_001306079.2); short protein forms C1550R, C1613R.
Identifiers: ClinVar variation 2504374 (VCV002504374.1), dbSNP rs759326745, ClinGen allele CA346221550.